The following is an entry in ClinVar:

NM_000535.7(PMS2):c.1597G>A (p.Val533Met)

Gene: PMS2 (PMS1 homolog 2, mismatch repair system component; minus strand). Cytogenetic location: 7p22.1.
Variant type: single nucleotide variant.
Coding change: c.1597G>A on transcript NM_000535.7 (MANE Select); coding-DNA position 1597, G replaced by A.
Protein change: p.Val533Met; replaces valine 533 with methionine.
Molecular consequence: missense variant. On other transcripts: non-coding transcript variant (1).
Genome position (GRCh38, 1-based): chr7:5,987,168, C>T on the plus strand (G>A on the coding strand, the complement: PMS2 is on the minus strand). VCF-style: chr7-5987168-C-T. GRCh37 (hg19) VCF-style: chr7-6026799-C-T.
Other names: c.1192G>A, p.Val398Met (NM_001322003.2, NM_001322004.2, NM_001322005.2 and 1 more transcripts); c.1441G>A, p.Val481Met (NM_001322006.2); c.1279G>A, p.Val427Met (NM_001322007.2, NM_001322008.2); c.1036G>A, p.Val346Met (NM_001322010.2); c.664G>A, p.Val222Met (NM_001322011.2, NM_001322012.2); c.1024G>A, p.Val342Met (NM_001322013.2); c.1597G>A, p.Val533Met (NM_001322014.2); c.1288G>A, p.Val430Met (NM_001322015.2); short protein forms V342M, V398M, V222M, V346M, V427M, V430M, V481M, V533M.
Identifiers: ClinVar variation 923766 (VCV000923766.8), dbSNP rs1783036349, ClinGen allele CA366741516.

ClinVar aggregate classification (germline): Conflicting classifications of pathogenicity. Review status: criteria provided, conflicting classifications (1 of 4 stars). 3 submissions from 3 submitters: Uncertain significance (2); Likely benign (1). Last evaluated 2025-08-29.

Conditions:
Hereditary nonpolyposis colorectal neoplasms. Identifiers: MedGen C0009405, MeSH D003123.
Hereditary cancer-predisposing syndrome. Also called: Neoplastic Syndromes, Hereditary; Tumor predisposition; Hereditary Cancer Syndrome; Hereditary neoplastic syndrome. Identifiers: Orphanet 140162, MedGen C0027672, MeSH D009386, MONDO:0015356.

Submissions (3):

Labcorp Genetics (formerly Invitae), Labcorp
Classification: Uncertain significance for Hereditary nonpolyposis colorectal neoplasms. Last evaluated: 2025-08-29. Review status: criteria provided, single submitter. Criteria: Invitae Variant Classification Sherloc (09022015). Collection method: clinical testing. Allele origin: germline.
Comment: This sequence change replaces valine, which is neutral and non-polar, with methionine, which is neutral and non-polar, at codon 533 of the PMS2 protein (p.Val533Met). This variant is not present in population databases (gnomAD no frequency). This variant has not been reported in the literature in individuals affected with PMS2-related conditions. ClinVar contains an entry for this variant (Variation ID: 923766). Invitae Evidence Modeling incorporating data from in vitro experimental studies (internal data) indicates that this missense variant is not expected to disrupt PMS2 function with a negative predictive value of 95%. In summary, the available evidence is currently insufficient to determine the role of this variant in disease. Therefore, it has been classified as a Variant of Uncertain Significance.

Ambry Genetics
Classification: Likely benign for Hereditary cancer-predisposing syndrome. Last evaluated: 2025-06-27. Review status: criteria provided, single submitter. Criteria: Ambry Variant Classification Scheme 2023. Collection method: clinical testing. Allele origin: germline.

Color Diagnostics, LLC DBA Color Health
Classification: Uncertain significance for Hereditary cancer-predisposing syndrome. Last evaluated: 2024-03-06. Review status: criteria provided, single submitter. Criteria: ACMG Guidelines, 2015. Collection method: clinical testing. Allele origin: germline.
Comment: This missense variant replaces valine with methionine at codon 533 of the PMS2 protein. Computational prediction suggests that this variant may not impact protein structure and function (internally defined REVEL score threshold <= 0.5, PMID: 27666373). Splice site prediction tools suggest that this variant may not impact RNA splicing. To our knowledge, functional studies have not been performed for this variant. This variant has not been reported in individuals affected with hereditary cancer in the literature. This variant has not been identified in the general population by the Genome Aggregation Database (gnomAD). The available evidence is insufficient to determine the role of this variant in disease conclusively. Therefore, this variant is classified as a Variant of Uncertain Significance.